The following is an entry in ClinVar:

ClinVar aggregate classification (germline): Uncertain significance (1 of 4 stars; one submission).

Submission:

Labcorp Genetics (formerly Invitae), Labcorp
Classification: Uncertain significance. Last evaluated: 2022-04-11. Review status: criteria provided, single submitter. Criteria: Invitae Variant Classification Sherloc (09022015). Collection method: clinical testing. Allele origin: germline.
Comment: This variant results in a copy number gain of the genomic region encompassing exon(s) 9 of the DTHD1 gene. This region includes the termination codon of the gene. This copy number gain extends beyond the assayed region for this gene and therefore may encompass additional genes. As the precise location of this event is unknown, it may be in tandem or it may be located elsewhere in the genome. This variant has not been reported in the literature in individuals affected with DTHD1-related conditions. Experimental studies and prediction algorithms are not available or were not evaluated, and the functional significance of this variant is currently unknown. In summary, the available evidence is currently insufficient to determine the role of this variant in disease. Therefore, it has been classified as a Variant of Uncertain Significance.

NC_000004.11:g.(?_36345104)_(36345446_?)dup

Gene: DTHD1 (death domain containing 1; plus strand). Cytogenetic location: 4p14.
Variant type: Duplication.
Identifiers: ClinVar variation 2423821 (VCV002423821.3).